The following is an entry in ClinVar:

NM_003844.4(TNFRSF10A):c.683A>C (p.Glu228Ala)

Gene: TNFRSF10A (TNF receptor superfamily member 10a; minus strand). Cytogenetic location: 8p21.3.
Variant type: single nucleotide variant.
Coding change: c.683A>C on transcript NM_003844.4 (MANE Select); coding-DNA position 683, A replaced by C.
Protein change: p.Glu228Ala; replaces glutamic acid 228 with alanine.
Molecular consequence: missense variant.
Genome position (GRCh38, 1-based): chr8:23,200,707, T>G on the plus strand (A>C on the coding strand, the complement: TNFRSF10A is on the minus strand). VCF-style: chr8-23200707-T-G. GRCh37 (hg19) VCF-style: chr8-23058220-T-G.
Other names: short protein forms E228A.
Identifiers: ClinVar variation 1253334 (VCV001253334.3), dbSNP rs20576, ClinGen allele CA4674790.

ClinVar aggregate classification (germline): Benign. Review status: criteria provided, multiple submitters, no conflicts (2 of 4 stars). 2 submissions from 2 submitters: Benign (2). Last evaluated 2020-11-18.

Allele frequency attached by ClinVar (database versions not stated): 1000 Genomes Project 0.08167; 1000 Genomes Project 30x 0.08635; TOPMed 0.13384; gnomAD 0.14253 and 0.14534; ESP Exome Variant Server 0.14816; ExAC 0.14911; gnomAD exomes 0.15116 and 0.18577.
gnomAD v4.1: 290,920 of 1,605,418 alleles (18%); highest among the groups gnomAD compares: Non-Finnish European, 20%; 28,771 homozygotes.

Submissions (2):

GeneDx
Classification: Benign. Last evaluated: 2020-11-18. Review status: criteria provided, single submitter. Criteria: GeneDx Variant Classification Process June 2021. Collection method: clinical testing. Allele origin: germline. Affected: yes.
Comment: This variant is associated with the following publications: (PMID: 21484799, 23658636, 22401174)

Breakthrough Genomics
Classification: Benign. Review status: criteria provided, single submitter. Criteria: ACMG Guidelines, 2015. Collection method: not provided. Allele origin: germline. Inheritance: Unknown mechanism. Affected: yes.